The following is an entry in ClinVar:

NM_020207.7(ERCC6L2):c.452G>T (p.Gly151Val)

Gene: ERCC6L2 (ERCC excision repair 6 like 2; plus strand). Cytogenetic location: 9q22.32.
Variant type: single nucleotide variant.
Coding change: c.452G>T on transcript NM_020207.7 (MANE Select); coding-DNA position 452, G replaced by T.
Protein change: p.Gly151Val; replaces glycine 151 with valine.
Molecular consequence: missense variant. On other transcripts: non-coding transcript variant (1).
Genome position (GRCh38, 1-based): chr9:95,881,274, G>T. VCF-style: chr9-95881274-G-T. GRCh37 (hg19) VCF-style: chr9-98643556-G-T.
Other names: c.452G>T, p.Gly151Val (NM_001010895.4, NM_001375291.1, NM_001375292.1 and 2 more transcripts); short protein forms G151V.
Identifiers: ClinVar variation 4019354 (VCV004019354.1).

ClinVar aggregate classification (germline): Uncertain significance (1 of 4 stars; one submission).

Conditions:
Inborn genetic diseases. Identifiers: MedGen C0950123, MeSH D030342.

Submission:

Ambry Genetics
Classification: Uncertain significance for Inborn genetic diseases. Last evaluated: 2025-05-15. Review status: criteria provided, single submitter. Criteria: Ambry Variant Classification Scheme 2023. Collection method: clinical testing. Allele origin: germline.
Comment: The p.G151V variant (also known as c.452G>T), located in coding exon 2 of the ERCC6L2 gene, results from a G to T substitution at nucleotide position 452. The glycine at codon 151 is replaced by valine, an amino acid with dissimilar properties. This amino acid position is conserved. In addition, this alteration is predicted to be deleterious by in silico analysis. Based on the available evidence, the clinical significance of this variant remains unclear.